The following is an entry in ClinVar:

NM_004360.5(CDH1):c.1063T>C (p.Leu355=)

Gene: CDH1 (cadherin 1; plus strand). Cytogenetic location: 16q22.1.
Variant type: single nucleotide variant.
Coding change: c.1063T>C on transcript NM_004360.5 (MANE Select); coding-DNA position 1063, T replaced by C.
Protein change: p.Leu355=; no amino-acid change (leucine 355 retained).
Molecular consequence: synonymous variant. On other transcripts: 5 prime UTR variant (2).
Genome position (GRCh38, 1-based): chr16:68,812,189, T>C. VCF-style: chr16-68812189-T-C. GRCh37 (hg19) VCF-style: chr16-68846092-T-C.
Other names: c.1063T>C (LRG_301t1); c.1063T>C, p.Leu355= (NM_001317184.2); c.-553T>C (NM_001317185.2); c.-757T>C (NM_001317186.2).
Identifiers: ClinVar variation 483222 (VCV000483222.16), dbSNP rs750470983, ClinGen allele CA8129993.

ClinVar aggregate classification (germline): Benign/Likely benign. Review status: criteria provided, multiple submitters, no conflicts (2 of 4 stars). 4 submissions from 4 submitters: Benign (1); Likely benign (3). Last evaluated 2026-05-15.

Conditions:
Hereditary cancer-predisposing syndrome. Also called: Neoplastic Syndromes, Hereditary; Hereditary neoplastic syndrome; Hereditary Cancer Syndrome; Tumor predisposition. Identifiers: Orphanet 140162, MedGen C0027672, MeSH D009386, MONDO:0015356.
Hereditary diffuse gastric adenocarcinoma (HDGC). Also called: DIFFUSE GASTRIC AND LOBULAR BREAST CANCER SYNDROME. Identifiers: Orphanet 26106, MedGen C1708349, MONDO:0007648, OMIM 137215.

Allele frequency attached by ClinVar (database versions not stated): gnomAD exomes 0.00001; TOPMed below 0.00001; ExAC 0.00001; gnomAD 0.00001.
gnomAD v4.1: 10 of 1,613,988 alleles (0.00062%); highest among the groups gnomAD compares: Non-Finnish European, 0.00076%; no homozygotes.

Submissions (4):

Women's Health and Genetics/Laboratory Corporation of America, LabCorp
Classification: Likely benign. Last evaluated: 2026-05-15. Review status: criteria provided, single submitter. Criteria: LabCorp Variant Classification Summary - May 2015. Collection method: clinical testing. Allele origin: germline.

Myriad Genetics, Inc.
Classification: Benign for Hereditary diffuse gastric adenocarcinoma. Last evaluated: 2024-09-17. Review status: criteria provided, single submitter. Criteria: Myriad Autosomal Dominant, Autosomal Recessive and X-Linked Classification Criteria (2023). Collection method: clinical testing. Allele origin: unknown.
Comment: This variant is considered benign. This variant is a silent/synonymous amino acid change and it is not expected to impact splicing.

Labcorp Genetics (formerly Invitae), Labcorp
Classification: Likely benign for Hereditary diffuse gastric adenocarcinoma. Last evaluated: 2024-04-24. Review status: criteria provided, single submitter. Criteria: Invitae Variant Classification Sherloc (09022015). Collection method: clinical testing. Allele origin: germline.

Ambry Genetics
Classification: Likely benign for Hereditary cancer-predisposing syndrome. Last evaluated: 2016-09-23. Review status: criteria provided, single submitter. Criteria: Ambry Variant Classification Scheme 2023. Collection method: clinical testing. Allele origin: germline.